The following is an entry in ClinVar:

ClinVar aggregate classification (germline): Pathogenic (1 of 4 stars; one submission).

Conditions:
Familial cancer of breast. Also called: hereditary breast carcinoma; BREAST CANCER, FAMILIAL; Hereditary breast cancer. Identifiers: Orphanet 227535, MedGen C0346153, MONDO:0016419, OMIM 114480. Disease mechanism: loss of function.

Submission:

Myriad Genetics, Inc.
Classification: Pathogenic for Familial cancer of breast. Last evaluated: 2024-02-05. Review status: criteria provided, single submitter. Criteria: Myriad Autosomal Dominant, Autosomal Recessive and X-Linked Classification Criteria (2023). Collection method: clinical testing. Allele origin: unknown.
Comment: This variant is considered pathogenic. This variant creates a frameshift predicted to result in premature protein truncation.

NM_000051.4(ATM):c.8764_8768delinsTGTC (p.Gly2922fs)

Genes: ATM (ATM serine/threonine kinase; plus strand), C11orf65 (chromosome 11 open reading frame 65; minus strand). Cytogenetic location: 11q22.3.
Variant type: Indel.
Coding change: c.8764_8768delinsTGTC on transcript NM_000051.4 (MANE Select); coding-DNA positions 8764 to 8768, GGTGT replaced by TGTC.
Protein change: p.Gly2922fs; shifts the reading frame from glycine 2922.
Molecular consequence: frameshift variant. On other transcripts: intron variant (2).
Genome position (GRCh38, 1-based): chr11:108,353,858-108,353,862, GGTGT replaced by TGTC. VCF-style: chr11-108353858-GGTGT-TGTC. GRCh37 (hg19) VCF-style: chr11-108224585-GGTGT-TGTC.
Other names: c.8764_8768delinsTGTC, p.Gly2922fs (NM_001351834.2); c.640+32058_640+32062delinsGACA (NM_001330368.2); c.695-18570_695-18566delinsGACA (NM_001351110.2); short protein forms G2922fs.
Identifiers: ClinVar variation 3148287 (VCV003148287.1), dbSNP rs2547518155, ClinGen allele CA2825001989.